The following is an entry in ClinVar:

ClinVar aggregate classification (germline): Uncertain significance. Review status: criteria provided, multiple submitters, no conflicts (2 of 4 stars). 2 submissions from 2 submitters: Uncertain significance (2). Last evaluated 2025-06-18.

gnomAD v4.1: 9 of 1,613,424 alleles (0.00056%); highest among the groups gnomAD compares: Non-Finnish European, 0.00076%; no homozygotes.

Submissions (2):

Ambry Genetics
Classification: Uncertain significance. Last evaluated: 2025-06-18. Review status: criteria provided, single submitter. Criteria: Ambry Variant Classification Scheme 2023. Collection method: clinical testing. Allele origin: germline.

Labcorp Genetics (formerly Invitae), Labcorp
Classification: Uncertain significance. Last evaluated: 2024-04-08. Review status: criteria provided, single submitter. Criteria: Invitae Variant Classification Sherloc (09022015). Collection method: clinical testing. Allele origin: germline.
Comment: This sequence change replaces glycine, which is neutral and non-polar, with serine, which is neutral and polar, at codon 401 of the PITPNM3 protein (p.Gly401Ser). This variant is present in population databases (no rsID available, gnomAD 0.0008%). This variant has not been reported in the literature in individuals affected with PITPNM3-related conditions. Advanced modeling of protein sequence and biophysical properties (such as structural, functional, and spatial information, amino acid conservation, physicochemical variation, residue mobility, and thermodynamic stability) performed at Invitae indicates that this missense variant is expected to disrupt PITPNM3 protein function with a positive predictive value of 80%. In summary, the available evidence is currently insufficient to determine the role of this variant in disease. Therefore, it has been classified as a Variant of Uncertain Significance.

NM_031220.4(PITPNM3):c.1201G>A (p.Gly401Ser)

Gene: PITPNM3 (PITPNM family member 3; minus strand). Cytogenetic location: 17p13.2.
Variant type: single nucleotide variant.
Coding change: c.1201G>A on transcript NM_031220.4 (MANE Select); coding-DNA position 1201, G replaced by A.
Protein change: p.Gly401Ser; replaces glycine 401 with serine.
Molecular consequence: missense variant.
Genome position (GRCh38, 1-based): chr17:6,474,489, C>T on the plus strand (G>A on the coding strand, the complement: PITPNM3 is on the minus strand). VCF-style: chr17-6474489-C-T. GRCh37 (hg19) VCF-style: chr17-6377809-C-T.
Other names: c.1093G>A, p.Gly365Ser (NM_001165966.2); c.1201G>A (NM_031220.3); short protein forms G365S, G401S.
Identifiers: ClinVar variation 3610695 (VCV003610695.3).